The following is an entry in ClinVar:

NM_002546.4(TNFRSF11B):c.1002A>G (p.Ile334Met)

Gene: TNFRSF11B (TNF receptor superfamily member 11b; minus strand). Cytogenetic location: 8q24.12.
Variant type: single nucleotide variant.
Coding change: c.1002A>G on transcript NM_002546.4 (MANE Select); coding-DNA position 1002, A replaced by G.
Protein change: p.Ile334Met; replaces isoleucine 334 with methionine.
Molecular consequence: missense variant.
Genome position (GRCh38, 1-based): chr8:118,924,578, T>C on the plus strand (A>G on the coding strand, the complement: TNFRSF11B is on the minus strand). VCF-style: chr8-118924578-T-C. GRCh37 (hg19) VCF-style: chr8-119936817-T-C.
Other names: short protein forms I334M.
Identifiers: ClinVar variation 1924088 (VCV001924088.5), dbSNP rs758824253, ClinGen allele CA4854787.

ClinVar aggregate classification (germline): Uncertain significance (1 of 4 stars; one submission).

Allele frequency attached by ClinVar (database versions not stated): gnomAD 0.00001; gnomAD exomes 0.00001; TOPMed 0.00001; ExAC 0.00002.
gnomAD v4.1: 19 of 1,614,118 alleles (0.0012%); highest among the groups gnomAD compares: Non-Finnish European, 0.001%; no homozygotes.

Submission:

Labcorp Genetics (formerly Invitae), Labcorp
Classification: Uncertain significance. Last evaluated: 2023-09-09. Review status: criteria provided, single submitter. Criteria: Invitae Variant Classification Sherloc (09022015). Collection method: clinical testing. Allele origin: germline.
Comment: This variant is present in population databases (rs758824253, gnomAD 0.004%). This sequence change replaces isoleucine, which is neutral and non-polar, with methionine, which is neutral and non-polar, at codon 334 of the TNFRSF11B protein (p.Ile334Met). This variant has not been reported in the literature in individuals affected with TNFRSF11B-related conditions. In summary, the available evidence is currently insufficient to determine the role of this variant in disease. Therefore, it has been classified as a Variant of Uncertain Significance. Advanced modeling of protein sequence and biophysical properties (such as structural, functional, and spatial information, amino acid conservation, physicochemical variation, residue mobility, and thermodynamic stability) performed at Invitae indicates that this missense variant is not expected to disrupt TNFRSF11B protein function. ClinVar contains an entry for this variant (Variation ID: 1924088).